The following is an entry in ClinVar:

ClinVar aggregate classification (germline): Uncertain significance (1 of 4 stars; one submission).

Conditions:
Emery-Dreifuss muscular dystrophy 5, autosomal dominant (EDMD5). Also called: EMERY-DREIFUSS MUSCULAR DYSTROPHY 5. Identifiers: Orphanet 261, MedGen C2751805, MONDO:0013072, OMIM 612999.

gnomAD v4.1: 2 of 1,614,122 alleles (0.00012%); highest among the groups gnomAD compares: African/African-American, 0.0027%; no homozygotes.

Submission:

Labcorp Genetics (formerly Invitae), Labcorp
Classification: Uncertain significance for Emery-Dreifuss muscular dystrophy 5, autosomal dominant. Last evaluated: 2025-05-13. Review status: criteria provided, single submitter. Criteria: Invitae Variant Classification Sherloc (09022015). Collection method: clinical testing. Allele origin: germline.
Comment: This sequence change replaces valine, which is neutral and non-polar, with leucine, which is neutral and non-polar, at codon 4566 of the SYNE2 protein (p.Val4566Leu). This variant is present in population databases (rs201357524, gnomAD 0.007%). This variant has not been reported in the literature in individuals affected with SYNE2-related conditions. An algorithm developed to predict the effect of missense changes on protein structure and function (PolyPhen-2) suggests that this variant is likely to be tolerated. In summary, the available evidence is currently insufficient to determine the role of this variant in disease. Therefore, it has been classified as a Variant of Uncertain Significance.

NM_182914.3(SYNE2):c.13696G>T (p.Val4566Leu)

Gene: SYNE2 (spectrin repeat containing nuclear envelope protein 2; plus strand). Cytogenetic location: 14q23.2.
Variant type: single nucleotide variant.
Coding change: c.13696G>T on transcript NM_182914.3 (MANE Select); coding-DNA position 13696, G replaced by T.
Protein change: p.Val4566Leu; replaces valine 4566 with leucine.
Molecular consequence: missense variant.
Genome position (GRCh38, 1-based): chr14:64,126,468, G>T. VCF-style: chr14-64126468-G-T. GRCh37 (hg19) VCF-style: chr14-64593186-G-T.
Other names: c.13696G>T, p.Val4566Leu (NM_015180.6); short protein forms V4566L.
Identifiers: ClinVar variation 4719096 (VCV004719096.1).